The following is an entry in ClinVar:

ClinVar aggregate classification (germline): Uncertain significance. Review status: criteria provided, multiple submitters, no conflicts (2 of 4 stars). 2 submissions from 2 submitters: Uncertain significance (2). Last evaluated 2025-09-16.

Conditions:
Granulomatous disease, chronic, X-linked. Also called: CYTOCHROME b-NEGATIVE GRANULOMATOUS DISEASE, CHRONIC, X-LINKED; GRANULOMATOUS DISEASE, CHRONIC, X-LINKED, SOMATIC MOSAIC. Identifiers: Orphanet 379, MedGen C1844376, MONDO:0010600, OMIM 306400.

Allele frequency attached by ClinVar (database versions not stated): gnomAD exomes below 0.00001.
gnomAD v4.1: 5 of 1,210,324 alleles (0.00041%); highest among the groups gnomAD compares: African/African-American, 0.0017%; no homozygotes.

Submissions (2):

Labcorp Genetics (formerly Invitae), Labcorp
Classification: Uncertain significance for Granulomatous disease, chronic, X-linked. Last evaluated: 2025-09-16. Review status: criteria provided, single submitter. Criteria: Invitae Variant Classification Sherloc (09022015). Collection method: clinical testing. Allele origin: germline.
Comment: This sequence change replaces glutamine, which is neutral and polar, with lysine, which is basic and polar, at codon 464 of the CYBB protein (p.Gln464Lys). This variant is not present in population databases (gnomAD no frequency). This variant has not been reported in the literature in individuals affected with CYBB-related conditions. ClinVar contains an entry for this variant (Variation ID: 1809651). Invitae Evidence Modeling of protein sequence and biophysical properties (such as structural, functional, and spatial information, amino acid conservation, physicochemical variation, residue mobility, and thermodynamic stability) indicates that this missense variant is not expected to disrupt CYBB protein function with a negative predictive value of 95%. In summary, the available evidence is currently insufficient to determine the role of this variant in disease. Therefore, it has been classified as a Variant of Uncertain Significance.

Dubai Health Genomic Medicine Center, Dubai Health
Classification: Uncertain significance. Last evaluated: 2022-12-17. Review status: criteria provided, single submitter. Criteria: ACMG Guidelines, 2015. Collection method: clinical testing. Allele origin: germline. Affected: yes.

NM_000397.4(CYBB):c.1390C>A (p.Gln464Lys)

Gene: CYBB (cytochrome b-245 beta chain; plus strand). Cytogenetic location: Xp11.4.
Variant type: single nucleotide variant.
Coding change: c.1390C>A on transcript NM_000397.4 (MANE Select); coding-DNA position 1390, C replaced by A.
Protein change: p.Gln464Lys; replaces glutamine 464 with lysine.
Molecular consequence: missense variant.
Genome position (GRCh38, 1-based): chrX:37,806,462, C>A. VCF-style: chrX-37806462-C-A. GRCh37 (hg19) VCF-style: chrX-37665715-C-A.
Other names: short protein forms Q464K.
Identifiers: ClinVar variation 1809651 (VCV001809651.3), dbSNP rs888398731, ClinGen allele CA328041690.
Genomic context (GRCh38, chrX:37,806,462, plus strand): 5'-CTGTGCCGGGACACACATGCCTTTGAGTGGTTTGCAGATCTGCTGCAACTGCTGGAGAGC[C>A]AGATGCAGGAAAGGAACAATGCCGGCTTCCTCAGCTACAACATCTACCTCACTGGCTGGG-3'
Protein context (NP_000388.2, residues 454-474): FADLLQLLES[Gln464Lys]MQERNNAGFL